The following is an entry in ClinVar:

ClinVar aggregate classification (germline): Uncertain significance (1 of 4 stars; one submission).

Conditions:
Cohen syndrome (COH1). Also called: Cutis verticis gyrata, retinitis pigmentosa, and sensorineural deafness; PEPPER SYNDROME. Identifiers: Orphanet 193, MedGen C0265223, MONDO:0008999, OMIM 216550.

Submission:

Labcorp Genetics (formerly Invitae), Labcorp
Classification: Uncertain significance for Cohen syndrome. Last evaluated: 2022-08-13. Review status: criteria provided, single submitter. Criteria: Invitae Variant Classification Sherloc (09022015). Collection method: clinical testing. Allele origin: germline.
Comment: This sequence change replaces aspartic acid, which is acidic and polar, with glutamic acid, which is acidic and polar, at codon 618 of the VPS13B protein (p.Asp618Glu). This variant is not present in population databases (gnomAD no frequency). This variant has not been reported in the literature in individuals affected with VPS13B-related conditions. Algorithms developed to predict the effect of missense changes on protein structure and function are either unavailable or do not agree on the potential impact of this missense change (SIFT: "Not Available"; PolyPhen-2: "Benign"; Align-GVGD: "Not Available"). In summary, the available evidence is currently insufficient to determine the role of this variant in disease. Therefore, it has been classified as a Variant of Uncertain Significance.

NM_152564.5(VPS13B):c.1854T>A (p.Asp618Glu)

Gene: VPS13B (vacuolar protein sorting 13 homolog B; plus strand). Cytogenetic location: 8q22.2.
Variant type: single nucleotide variant.
Coding change: c.1854T>A on transcript NM_152564.5 (MANE Select); coding-DNA position 1854, T replaced by A.
Protein change: p.Asp618Glu; replaces aspartic acid 618 with glutamic acid.
Molecular consequence: missense variant.
Genome position (GRCh38, 1-based): chr8:99,147,851, T>A. VCF-style: chr8-99147851-T-A. GRCh37 (hg19) VCF-style: chr8-100160079-T-A.
Other names: c.1854T>A, p.Asp618Glu (NM_015243.3, NM_017890.5); short protein forms D618E.
Identifiers: ClinVar variation 2165887 (VCV002165887.1), dbSNP rs2488803034, ClinGen allele CA371864250.